The following is an entry in ClinVar:

ClinVar aggregate classification (germline): Uncertain significance (1 of 4 stars; one submission).

Submission:

GeneDx
Classification: Uncertain significance. Last evaluated: 2022-08-08. Review status: criteria provided, single submitter. Criteria: GeneDx Variant Classification Process June 2021. Collection method: clinical testing. Allele origin: germline. Affected: yes.
Comment: Not observed at significant frequency in large population cohorts (gnomAD); In silico analysis supports that this missense variant does not alter protein structure/function; Has not been previously published as pathogenic or benign to our knowledge

NM_005262.3(GFER):c.68G>C (p.Arg23Pro)

Genes: GFER (growth factor, augmenter of liver regeneration; plus strand), LOC130058203 (ATAC-STARR-seq lymphoblastoid silent region 7014; plus strand). Cytogenetic location: 16p13.3.
Variant type: single nucleotide variant.
Coding change: c.68G>C on transcript NM_005262.3 (MANE Select); coding-DNA position 68, G replaced by C.
Protein change: p.Arg23Pro; replaces arginine 23 with proline.
Molecular consequence: missense variant.
Genome position (GRCh38, 1-based): chr16:1,984,286, G>C. VCF-style: chr16-1984286-G-C. GRCh37 (hg19) VCF-style: chr16-2034287-G-C.
Other names: short protein forms R23P.
Identifiers: ClinVar variation 2429532 (VCV002429532.1), dbSNP rs2548268651, ClinGen allele CA394300376.